The following is an entry in ClinVar:

ClinVar aggregate classification (germline): Pathogenic (1 of 4 stars; one submission).

Conditions:
Familial thoracic aortic aneurysm and aortic dissection (TAAD). Also called: Thoracic aortic aneurysms and dissections. Identifiers: Orphanet 91387, MedGen C4707243, MONDO:0019625.
Marfan syndrome (MFS). Also called: Marfan syndrome type 1; Marfan's syndrome; Marfan syndrome, classic; MARFAN SYNDROME, TYPE I; FBN1-Related Marfan Syndrome. Identifiers: Orphanet 284963, Orphanet 558, MedGen C0024796, MONDO:0007947, OMIM 154700.

Submission:

Labcorp Genetics (formerly Invitae), Labcorp
Classification: Pathogenic for Marfan syndrome; Familial thoracic aortic aneurysm and aortic dissection. Last evaluated: 2020-07-23. Review status: criteria provided, single submitter. Criteria: Invitae Variant Classification Sherloc (09022015). Collection method: clinical testing. Allele origin: germline.
Comment: For these reasons, this variant has been classified as Pathogenic. Loss-of-function variants in FBN1 are known to be pathogenic (PMID: 17657824, 19293843). This variant has not been reported in the literature in individuals with FBN1-related conditions. This variant is not present in population databases (ExAC no frequency). This sequence change creates a premature translational stop signal (p.Pro1506Glnfs*14) in the FBN1 gene. It is expected to result in an absent or disrupted protein product.

Literature cited by the submitters: PubMed 17657824; PubMed 19293843.

NM_000138.5(FBN1):c.4517del (p.Pro1506fs)

Gene: FBN1 (fibrillin 1; minus strand). Cytogenetic location: 15q21.1.
Variant type: Deletion.
Coding change: c.4517del on transcript NM_000138.5 (MANE Select); coding-DNA position 4517, one base deleted (C; older notation c.4517delC).
Protein change: p.Pro1506fs; shifts the reading frame from proline 1506.
Molecular consequence: frameshift variant.
Genome position (GRCh38, 1-based): chr15:48,468,477, G deleted on the plus strand (C on the coding strand, the reverse complement: FBN1 is on the minus strand); the first of 2 consecutive G bases (chr15:48,468,477-48,468,478); deleting either gives the same sequence. VCF-style (leftmost placement, unchanged base first): chr15-48468476-TG-T. GRCh37 (hg19) VCF-style: chr15-48760673-TG-T.
Other names: short protein forms P1506fs.
Identifiers: ClinVar variation 1076407 (VCV001076407.7), dbSNP rs2141272985, ClinGen allele CA2499222991.